The following is an entry in ClinVar:

NM_018124.4(RFWD3):c.793-2A>C

Gene: RFWD3 (ring finger and WD repeat domain 3; minus strand). Cytogenetic location: 16q23.1.
Variant type: single nucleotide variant.
Coding change: c.793-2A>C on transcript NM_018124.4 (MANE Select); the canonical splice acceptor site of the intron before coding-DNA position 793, A replaced by C.
Molecular consequence: splice acceptor variant.
Genome position (GRCh38, 1-based): chr16:74,644,737, T>G on the plus strand (A>C on the coding strand, the complement: RFWD3 is on the minus strand). VCF-style: chr16-74644737-T-G. GRCh37 (hg19) VCF-style: chr16-74678635-T-G.
Other names: c.793-2A>C (NM_001370534.1, NM_001370536.1, NM_001370535.1); c.-42-2A>C (NM_001370539.1, NM_001370537.1, NM_001370543.1 and 2 more transcripts).
Identifiers: ClinVar variation 2026339 (VCV002026339.4), dbSNP rs2544049856, ClinGen allele CA396763140.

ClinVar aggregate classification (germline): Uncertain significance (1 of 4 stars; one submission).

Submission:

Labcorp Genetics (formerly Invitae), Labcorp
Classification: Uncertain significance. Last evaluated: 2024-01-05. Review status: criteria provided, single submitter. Criteria: Invitae Variant Classification Sherloc (09022015). Collection method: clinical testing. Allele origin: germline.
Comment: This sequence change affects an acceptor splice site in intron 4 of the RFWD3 gene. It is expected to disrupt RNA splicing. Variants that disrupt the donor or acceptor splice site typically lead to a loss of protein function (PMID: 16199547), however the current clinical and genetic evidence is not sufficient to establish whether loss-of-function variants in RFWD3 cause disease. This variant is not present in population databases (gnomAD no frequency). This variant has not been reported in the literature in individuals affected with RFWD3-related conditions. ClinVar contains an entry for this variant (Variation ID: 2026339). Algorithms developed to predict the effect of sequence changes on RNA splicing suggest that this variant may disrupt the consensus splice site. In summary, the available evidence is currently insufficient to determine the role of this variant in disease. Therefore, it has been classified as a Variant of Uncertain Significance.

Literature cited by the submitters: PubMed 16199547.